The following is an entry in ClinVar:

ClinVar aggregate classification (germline): Pathogenic (1 of 4 stars; one submission).

Submission:

Labcorp Genetics (formerly Invitae), Labcorp
Classification: Pathogenic. Last evaluated: 2022-08-07. Review status: criteria provided, single submitter. Criteria: Invitae Variant Classification Sherloc (09022015). Collection method: clinical testing. Allele origin: germline.
Comment: This variant has not been reported in the literature in individuals affected with ATR-related conditions. This variant is not present in population databases (gnomAD no frequency). This sequence change creates a premature translational stop signal (p.Gln713*) in the ATR gene. It is expected to result in an absent or disrupted protein product. Loss-of-function variants in ATR are known to be pathogenic (PMID: 21228398, 23144622). For these reasons, this variant has been classified as Pathogenic. Algorithms developed to predict the effect of sequence changes on RNA splicing suggest that this variant may create or strengthen a splice site.

Literature cited by the submitters: PubMed 21228398; PubMed 23144622.

NM_001184.4(ATR):c.2137C>T (p.Gln713Ter)

Gene: ATR (ATR checkpoint kinase; minus strand). Cytogenetic location: 3q23.
Variant type: single nucleotide variant.
Coding change: c.2137C>T on transcript NM_001184.4 (MANE Select); coding-DNA position 2137, C replaced by T.
Protein change: p.Gln713Ter; replaces glutamine 713 with a stop codon.
Molecular consequence: nonsense.
Genome position (GRCh38, 1-based): chr3:142,556,081, G>A on the plus strand (C>T on the coding strand, the complement: ATR is on the minus strand). VCF-style: chr3-142556081-G-A. GRCh37 (hg19) VCF-style: chr3-142274923-G-A.
Other names: c.1945C>T, p.Gln649Ter (NM_001354579.2); short protein forms Q649*, Q713*.
Identifiers: ClinVar variation 2022356 (VCV002022356.4), dbSNP rs373600572, ClinGen allele CA354818914.
Genomic context (GRCh38, chr3:142,556,081, plus strand): 5'-AGAAAGGTTCTGTTAAAGAACTTGTCAGATAAAACATGCCGTGAAGAGTACAGACAAGTT[G>A]ACCAAGTATAGAAGCAAATTCTTTCTTGACAATGTCAGAATCATCTTTGACTTTATCTCT-3'